The following is an entry in ClinVar:

ClinVar aggregate classification (germline): Likely pathogenic (1 of 4 stars; one submission).

Conditions:
Loeys-Dietz syndrome 2 (LDS2). Also called: AORTIC ANEURYSM, FAMILIAL THORACIC 3; MARFAN SYNDROME, TYPE II; Marfan syndrome, type 2 (formerly); TGFBR2-Related Loeys-Dietz Syndrome; Marfan Syndrome type 2; Marfan like connective tissue disorder. Identifiers: Orphanet 284973, Orphanet 558, MedGen C2674574, MONDO:0012427, OMIM 610168.

Submission:

3billion
Classification: Likely pathogenic for Loeys-Dietz syndrome 2. Last evaluated: 2024-06-13. Review status: criteria provided, single submitter. Criteria: ACMG Guidelines, 2015. Collection method: clinical testing. Allele origin: germline. Affected: yes.
Comment: The variant is not observed in the gnomAD v4.0.0 dataset. Predicted Consequence/Location: Missense changes are a common disease-causing mechanism. In silico tool predictions suggest damaging effect of the variant on gene or gene product [REVEL: 0.96 (>=0.6, sensitivity 0.68 and specificity 0.92); 3Cnet: 0.96 (>=0.6, sensitivity 0.72 and precision 0.9)]. The same nucleotide change resulting in the same amino acid change has been previously reported to be associated with TGFBR2 related disorder (PMID: 31569402).Different missense changes at the same codon (p.Asp446Asn, p.Asp446Glu, p.Asp446His, p.Asp446Val) have been reported as pathogenic/likely pathogenic with strong evidence (ClinVar ID: VCV000213932, VCV000265447 /PMID: 16251899, 18781618, 23884466). Therefore, this variant is classified as Likely pathogenic according to the recommendation of ACMG/AMP guideline.

Literature cited by the submitters: PubMed 16251899; PubMed 31569402.

NM_003242.6(TGFBR2):c.1336G>T (p.Asp446Tyr)

Gene: TGFBR2 (transforming growth factor beta receptor 2; plus strand). Cytogenetic location: 3p24.1.
Variant type: single nucleotide variant.
Coding change: c.1336G>T on transcript NM_003242.6 (MANE Select); coding-DNA position 1336, G replaced by T.
Protein change: p.Asp446Tyr; replaces aspartic acid 446 with tyrosine.
Molecular consequence: missense variant. On other transcripts: intron variant (1).
Genome position (GRCh38, 1-based): chr3:30,674,186, G>T. VCF-style: chr3-30674186-G-T. GRCh37 (hg19) VCF-style: chr3-30715678-G-T.
Other names: c.1411G>T, p.Asp471Tyr (NM_001024847.3); c.1519G>T, p.Asp507Tyr (NM_001407126.1); c.1444G>T, p.Asp482Tyr (NM_001407127.1); c.976G>T, p.Asp326Tyr (NM_001407138.1); c.530-14201G>T (NM_001407139.1); c.1363G>T, p.Asp455Tyr (NM_001407128.1); c.1339G>T, p.Asp447Tyr (NM_001407129.1); c.1336G>T, p.Asp446Tyr (NM_001407130.1); and 2 more; short protein forms D326Y, D351Y, D411Y, D446Y, D447Y, D455Y, D471Y, D482Y.
Identifiers: ClinVar variation 4292063 (VCV004292063.1).